The following is an entry in ClinVar:

NM_018418.5(SPATA7):c.283C>T (p.Gln95Ter)

Gene: SPATA7 (spermatogenesis associated 7; plus strand). Cytogenetic location: 14q31.3.
Variant type: single nucleotide variant.
Coding change: c.283C>T on transcript NM_018418.5 (MANE Select); coding-DNA position 283, C replaced by T.
Protein change: p.Gln95Ter; replaces glutamine 95 with a stop codon.
Molecular consequence: nonsense.
Genome position (GRCh38, 1-based): chr14:88,416,755, C>T. VCF-style: chr14-88416755-C-T. GRCh37 (hg19) VCF-style: chr14-88883099-C-T.
Other names: NC_000014.8:g.88883099C>T; NP_060888.2:p.(Gln95Ter); c.187C>T, p.Gln63Ter (NM_001040428.4); short protein forms Q63*, Q95*.
Identifiers: ClinVar variation 2577497 (VCV002577497.2), dbSNP rs777598239, ClinGen allele CA390556249.
Genomic context (GRCh38, chr14:88,416,755, plus strand): 5'-TTGTTTTCCCTTTTAGATGCAGACCAACAACGAAGAGAGAAACTCAAAAAGGAATTAGCA[C>T]AATGTGAAAAAGAGTTCAAATTAACTAAAACTGCAATGCGAGCCAATTATAAAAATAATT-3'

ClinVar aggregate classification (germline): Likely pathogenic (1 of 4 stars; one submission).

Conditions:
Leber congenital amaurosis (LCA). Also called: Leber's amaurosis. Identifiers: Orphanet 65, MedGen C0339527, MeSH D057130, MONDO:0018998.

Submission:

Ophthalmic Genetics Group, Institute of Molecular and Clinical Ophthalmology Basel
Classification: Likely pathogenic for Leber congenital amaurosis. Last evaluated: 2023-07-24. Review status: criteria provided, single submitter. Criteria: ACMG Guidelines, 2015. Collection method: research. Allele origin: germline. Affected: yes. Observed: 1 variant allele.
Comment: Clinical significance based on ACMG v2.0

This variant was classified as Likely pathogenic based on ACMG criteria: PVS1, PM2.

Literature cited by the submitters: PubMed 36909829.